The following is an entry in ClinVar:

NM_001113491.2(SEPTIN9):c.577C>T (p.Pro193Ser)

Gene: SEPTIN9 (septin 9; plus strand). Cytogenetic location: 17q25.3.
Variant type: single nucleotide variant.
Coding change: c.577C>T on transcript NM_001113491.2 (MANE Select); coding-DNA position 577, C replaced by T.
Protein change: p.Pro193Ser; replaces proline 193 with serine.
Molecular consequence: missense variant.
Genome position (GRCh38, 1-based): chr17:77,402,559, C>T. VCF-style: chr17-77402559-C-T. GRCh37 (hg19) VCF-style: chr17-75398641-C-T.
Other names: c.85C>T, p.Pro29Ser (NM_001113492.2, NM_001113494.1); c.556C>T, p.Pro186Ser (NM_001113493.2); c.520C>T, p.Pro174Ser (NM_001293695.2); c.523C>T, p.Pro175Ser (NM_006640.5); short protein forms P174S, P175S, P186S, P193S, P29S.
Identifiers: ClinVar variation 1682615 (VCV001682615.7), dbSNP rs1021500613, ClinGen allele CA294282928.

ClinVar aggregate classification (germline): Uncertain significance (1 of 4 stars; one submission).

Allele frequency attached by ClinVar (database versions not stated): gnomAD 0.00001; gnomAD exomes 0.00001; TOPMed 0.00001.

Submission:

Labcorp Genetics (formerly Invitae), Labcorp
Classification: Uncertain significance. Last evaluated: 2025-08-18. Review status: criteria provided, single submitter. Criteria: Invitae Variant Classification Sherloc (09022015). Collection method: clinical testing. Allele origin: germline.
Comment: This sequence change replaces proline, which is neutral and non-polar, with serine, which is neutral and polar, at codon 175 of the SEPT9 protein (p.Pro175Ser). This variant is present in population databases (no rsID available, gnomAD 0.03%). This variant has not been reported in the literature in individuals affected with SEPT9-related conditions. ClinVar contains an entry for this variant (Variation ID: 1682615). Invitae Evidence Modeling of protein sequence and biophysical properties (such as structural, functional, and spatial information, amino acid conservation, physicochemical variation, residue mobility, and thermodynamic stability) indicates that this missense variant is not expected to disrupt SEPT9 protein function with a negative predictive value of 80%. In summary, the available evidence is currently insufficient to determine the role of this variant in disease. Therefore, it has been classified as a Variant of Uncertain Significance.